The following is an entry in ClinVar:

NM_003107.3(SOX4):c.254A>G (p.His85Arg)

Gene: SOX4 (SRY-box transcription factor 4; plus strand). Cytogenetic location: 6p22.3.
Variant type: single nucleotide variant.
Coding change: c.254A>G on transcript NM_003107.3 (MANE Select); coding-DNA position 254, A replaced by G.
Protein change: p.His85Arg; replaces histidine 85 with arginine.
Molecular consequence: missense variant.
Genome position (GRCh38, 1-based): chr6:21,594,788, A>G. VCF-style: chr6-21594788-A-G. GRCh37 (hg19) VCF-style: chr6-21595019-A-G.
Other names: short protein forms H85R.
Identifiers: ClinVar variation 3602497 (VCV003602497.1).

ClinVar aggregate classification (germline): Uncertain significance (1 of 4 stars; one submission).

gnomAD v4.1: 1 of 1,605,834 alleles (0.000062%); highest among the groups gnomAD compares: Non-Finnish European, 0.000085%; no homozygotes.

Submission:

GeneDx
Classification: Uncertain significance. Last evaluated: 2024-08-01. Review status: criteria provided, single submitter. Criteria: GeneDx Variant Classification Process June 2021. Collection method: clinical testing. Allele origin: germline. Affected: yes.
Comment: Not observed at significant frequency in large population cohorts (gnomAD); In silico analysis supports that this missense variant has a deleterious effect on protein structure/function; Has not been previously published as pathogenic or benign to our knowledge